The following is an entry in ClinVar:

ClinVar aggregate classification (germline): Uncertain significance. Review status: criteria provided, multiple submitters, no conflicts (2 of 4 stars). 2 submissions from 2 submitters: Uncertain significance (2). Last evaluated 2024-10-11.

Conditions:
Hereditary cancer-predisposing syndrome. Also called: Hereditary neoplastic syndrome; Hereditary Cancer Syndrome; Neoplastic Syndromes, Hereditary; Tumor predisposition. Identifiers: Orphanet 140162, MedGen C0027672, MeSH D009386, MONDO:0015356.

Submissions (2):

Ambry Genetics
Classification: Uncertain significance for Hereditary cancer-predisposing syndrome. Last evaluated: 2024-10-11. Review status: criteria provided, single submitter. Criteria: Ambry Variant Classification Scheme 2023. Collection method: clinical testing. Allele origin: germline.
Comment: The p.A659V variant (also known as c.1976C>T), located in coding exon 11 of the PMS2 gene, results from a C to T substitution at nucleotide position 1976. The alanine at codon 659 is replaced by valine, an amino acid with similar properties. This amino acid position is conserved. In addition, this alteration is predicted to be tolerated by in silico analysis. Based on the available evidence, the clinical significance of this variant remains unclear.

Color Diagnostics, LLC DBA Color Health
Classification: Uncertain significance for Hereditary cancer-predisposing syndrome. Last evaluated: 2022-11-08. Review status: criteria provided, single submitter. Criteria: ACMG Guidelines, 2015. Collection method: clinical testing. Allele origin: germline.
Comment: This missense variant replaces alanine with valine at codon 659 of the PMS2 protein. Computational prediction suggests that this variant may not impact protein structure and function (internally defined REVEL score threshold <= 0.5, PMID: 27666373). To our knowledge, functional studies have not been reported for this variant. This variant has not been reported in individuals affected with PMS2-related disorders in the literature. This variant has not been identified in the general population by the Genome Aggregation Database (gnomAD). The available evidence is insufficient to determine the role of this variant in disease conclusively. Therefore, this variant is classified as a Variant of Uncertain Significance.

NM_000535.7(PMS2):c.1976C>T (p.Ala659Val)

Gene: PMS2 (PMS1 homolog 2, mismatch repair system component; minus strand). Cytogenetic location: 7p22.1.
Variant type: single nucleotide variant.
Coding change: c.1976C>T on transcript NM_000535.7 (MANE Select); coding-DNA position 1976, C replaced by T.
Protein change: p.Ala659Val; replaces alanine 659 with valine.
Molecular consequence: missense variant. On other transcripts: non-coding transcript variant (1), intron variant (1).
Genome position (GRCh38, 1-based): chr7:5,986,789, G>A on the plus strand (C>T on the coding strand, the complement: PMS2 is on the minus strand). VCF-style: chr7-5986789-G-A. GRCh37 (hg19) VCF-style: chr7-6026420-G-A.
Other names: c.1571C>T, p.Ala524Val (NM_001018040.1, NM_001322003.2, NM_001322004.2 and 17 more transcripts); c.1820C>T, p.Ala607Val (NM_001322006.2, NM_001406870.1); c.1658C>T, p.Ala553Val (NM_001322007.2, NM_001322008.2, NM_001406876.1 and 2 more transcripts); c.1415C>T, p.Ala472Val (NM_001322010.2, NM_001406906.1, NM_001406907.1); c.1043C>T, p.Ala348Val (NM_001322011.2, NM_001322012.2); c.1403C>T, p.Ala468Val (NM_001322013.2, NM_001406909.1); c.1976C>T, p.Ala659Val (NM_001322014.2, NM_001406871.1, NM_001406872.1); c.1667C>T, p.Ala556Val (NM_001322015.2, NM_001406875.1, NM_001406877.1 and 5 more transcripts); and 13 more; short protein forms A501V, A504V, A524V, A547V, A603V, A667V, A468V, A553V.
Identifiers: ClinVar variation 2774124 (VCV002774124.3), dbSNP rs2128720293, ClinGen allele CA366738990.
Genomic context (GRCh38, chr7:5,986,789, plus strand): 5'-AAGAGAAAAAGTAAAAAATTAAAACTTTACCTTATCTCTTTTCTTAGTTCATCTTCGGCT[G>A]CTTGATTTTCTCCAGGACAAATCTTTGCCCTAAACTTCCTGTAATTCTGTTCCCCTTCAC-3'
Protein context (NP_000526.2, residues 649-669): RAKICPGENQ[Ala659Val]AEDELRKEIS